The following is an entry in ClinVar:

ClinVar aggregate classification (germline): Uncertain significance. Review status: criteria provided, multiple submitters, no conflicts (2 of 4 stars). 2 submissions from 2 submitters: Uncertain significance (2). Last evaluated 2023-08-14.

Conditions:
Spongy degeneration of central nervous system. Also called: ACY2 DEFICIENCY; AMINOACYLASE 2 DEFICIENCY; ASP DEFICIENCY; ASPA DEFICIENCY; ASPARTOACYLASE DEFICIENCY; CANAVAN-VAN BOGAERT-BERTRAND DISEASE. Identifiers: Orphanet 141, MedGen C0206307, MONDO:0010079, OMIM 271900.

Allele frequency attached by ClinVar (database versions not stated): gnomAD exomes below 0.00001.

Submissions (2):

Women's Health and Genetics/Laboratory Corporation of America, LabCorp
Classification: Uncertain significance. Last evaluated: 2023-08-14. Review status: criteria provided, single submitter. Criteria: LabCorp Variant Classification Summary - May 2015. Collection method: clinical testing. Allele origin: germline.
Comment: Variant summary: ASPA c.65G>A (p.Gly22Glu) results in a non-conservative amino acid change in the encoded protein sequence. Five of five in-silico tools predict a damaging effect of the variant on protein function. The variant allele was found at a frequency of 4e-06 in 251456 control chromosomes (gnomAD). The available data on variant occurrences in the general population are insufficient to allow any conclusion about variant significance. To our knowledge, no occurrence of c.65G>A in individuals affected with Canavan Disease and no experimental evidence demonstrating its impact on protein function have been reported. One submitter has cited clinical-significance assessments for this variant to ClinVar after 2014 and has classified the variant as uncertain significance. Based on the evidence outlined above, the variant was classified as uncertain significance.

Labcorp Genetics (formerly Invitae), Labcorp
Classification: Uncertain significance for Spongy degeneration of central nervous system. Last evaluated: 2021-08-24. Review status: criteria provided, single submitter. Criteria: Invitae Variant Classification Sherloc (09022015). Collection method: clinical testing. Allele origin: germline.
Comment: This sequence change replaces glycine with glutamic acid at codon 22 of the ASPA protein (p.Gly22Glu). The glycine residue is highly conserved and there is a moderate physicochemical difference between glycine and glutamic acid. This variant is not present in population databases (ExAC no frequency). This variant has not been reported in the literature in individuals affected with ASPA-related conditions. Advanced modeling of protein sequence and biophysical properties (such as structural, functional, and spatial information, amino acid conservation, physicochemical variation, residue mobility, and thermodynamic stability) performed at Invitae indicates that this missense variant is expected to disrupt ASPA protein function. In summary, the available evidence is currently insufficient to determine the role of this variant in disease. Therefore, it has been classified as a Variant of Uncertain Significance.

NM_000049.4(ASPA):c.65G>A (p.Gly22Glu)

Genes: SPATA22 (spermatogenesis associated 22; minus strand), ASPA (aspartoacylase; plus strand). Cytogenetic location: 17p13.2.
Variant type: single nucleotide variant.
Coding change: c.65G>A on transcript NM_000049.4 (MANE Select); coding-DNA position 65, G replaced by A.
Protein change: p.Gly22Glu; replaces glycine 22 with glutamic acid.
Molecular consequence: missense variant. On other transcripts: intron variant (2).
Genome position (GRCh38, 1-based): chr17:3,476,224, G>A. VCF-style: chr17-3476224-G-A. GRCh37 (hg19) VCF-style: chr17-3379518-G-A.
Other names: c.65G>A, p.Gly22Glu (NM_001128085.1); c.-73-6826C>T (NM_001321336.2, NM_001321337.2); short protein forms G22E.
Identifiers: ClinVar variation 1500315 (VCV001500315.6), dbSNP rs1256380639, ClinGen allele CA397681136.